The following is an entry in ClinVar:

NM_002878.4(RAD51D):c.396C>T (p.Val132=)

Genes: RAD51D (RAD51 paralog D; minus strand), RAD51L3-RFFL (RAD51L3-RFFL readthrough; minus strand). Cytogenetic location: 17q12.
Variant type: single nucleotide variant.
Coding change: c.396C>T on transcript NM_002878.4 (MANE Select); coding-DNA position 396, C replaced by T.
Protein change: p.Val132=; no amino-acid change (valine 132 retained).
Molecular consequence: synonymous variant. On other transcripts: non-coding transcript variant (1), intron variant (1).
Genome position (GRCh38, 1-based): chr17:35,107,072, G>A on the plus strand (C>T on the coding strand, the complement: RAD51D is on the minus strand). VCF-style: chr17-35107072-G-A. GRCh37 (hg19) VCF-style: chr17-33434091-G-A.
Other names: c.456C>T, p.Val152= (NM_001142571.2); c.145-591C>T (NM_133629.3).
Identifiers: ClinVar variation 482190 (VCV000482190.9), dbSNP rs1555568341, ClinGen allele CA499731724.

ClinVar aggregate classification (germline): Benign/Likely benign. Review status: criteria provided, multiple submitters, no conflicts (2 of 4 stars). 4 submissions from 4 submitters: Benign (1); Likely benign (3). Last evaluated 2025-02-21.

Conditions:
Hereditary cancer-predisposing syndrome. Also called: Tumor predisposition; Hereditary Cancer Syndrome; Neoplastic Syndromes, Hereditary; Hereditary neoplastic syndrome. Identifiers: Orphanet 140162, MedGen C0027672, MeSH D009386, MONDO:0015356.
Breast-ovarian cancer, familial, susceptibility to, 4. Identifiers: Orphanet 145, MedGen C3280345, MONDO:0013669, OMIM 614291.

Allele frequency attached by ClinVar (database versions not stated): gnomAD exomes below 0.00001.
gnomAD v4.1: 4 of 1,614,082 alleles (0.00025%); highest among the groups gnomAD compares: Non-Finnish European, 0.00025%; no homozygotes.

Submissions (4):

Myriad Genetics, Inc.
Classification: Benign for Breast-ovarian cancer, familial, susceptibility to, 4. Last evaluated: 2025-02-21. Review status: criteria provided, single submitter. Criteria: Myriad Autosomal Dominant, Autosomal Recessive and X-Linked Classification Criteria (2023). Collection method: clinical testing. Allele origin: unknown.
Comment: This variant is considered benign. This variant is a silent/synonymous amino acid change and it is not expected to impact splicing.

Blueprint Genetics
Classification: Likely benign. Last evaluated: 2024-11-15. Review status: criteria provided, single submitter. Criteria: ACMG Guidelines, 2015. Collection method: clinical testing. Allele origin: germline.

Ambry Genetics
Classification: Likely benign for Hereditary cancer-predisposing syndrome. Last evaluated: 2016-04-22. Review status: criteria provided, single submitter. Criteria: Ambry Variant Classification Scheme 2023. Collection method: clinical testing. Allele origin: germline.

Color Diagnostics, LLC DBA Color Health
Classification: Likely benign for Hereditary cancer-predisposing syndrome. Last evaluated: 2016-02-10. Review status: criteria provided, single submitter. Criteria: ACMG Guidelines, 2015. Collection method: clinical testing. Allele origin: germline.